The following is an entry in ClinVar:

ClinVar aggregate classification (germline): Likely benign. Review status: criteria provided, multiple submitters, no conflicts (2 of 4 stars). 3 submissions from 3 submitters: Likely benign (3). Last evaluated 2025-12-01.

Conditions:
Cardiovascular phenotype. Identifiers: MedGen CN230736.
Hypertrophic cardiomyopathy 26. Also called: Cardiomyopathy, familial hypertrophic, 26. Identifiers: Orphanet 75249, MedGen C4310749, MONDO:0014883, OMIM 617047.
Myofibrillar myopathy 5. Also called: Filaminopathy (type); FILAMINOPATHY, AUTOSOMAL DOMINANT. Identifiers: Orphanet 171445, MedGen C1836050, MONDO:0012289, OMIM 609524.
Distal myopathy with posterior leg and anterior hand involvement. Also called: WILLIAMS DISTAL MYOPATHY. Identifiers: Orphanet 63273, MedGen C3279722, MONDO:0013550, OMIM 614065.

Allele frequency attached by ClinVar (database versions not stated): gnomAD exomes 0.00002; TOPMed 0.00002; ExAC 0.00003; gnomAD 0.00004.
gnomAD v4.1: 52 of 1,612,946 alleles (0.0032%); highest among the groups gnomAD compares: Non-Finnish European, 0.0043%; no homozygotes.

Submissions (3):

Labcorp Genetics (formerly Invitae), Labcorp
Classification: Likely benign for Distal myopathy with posterior leg and anterior hand involvement; Myofibrillar myopathy 5; Hypertrophic cardiomyopathy 26. Last evaluated: 2025-12-01. Review status: criteria provided, single submitter. Criteria: Invitae Variant Classification Sherloc (09022015). Collection method: clinical testing. Allele origin: germline.

CeGaT Center for Human Genetics Tuebingen
Classification: Likely benign. Last evaluated: 2023-08-01. Review status: criteria provided, single submitter. Criteria: CeGaT Center For Human Genetics Tuebingen Variant Classification Criteria Version 2. Collection method: clinical testing. Allele origin: germline. Affected: yes. Observed: 2 variant alleles.
Comment: FLNC: BP4, BP7

Ambry Genetics
Classification: Likely benign for Cardiovascular phenotype. Last evaluated: 2020-09-06. Review status: criteria provided, single submitter. Criteria: Ambry Variant Classification Scheme 2023. Collection method: clinical testing. Allele origin: germline.

NM_001458.5(FLNC):c.6204T>C (p.Asn2068=)

Genes: FLNC-AS1 (FLNC antisense RNA 1; minus strand), FLNC (filamin C; plus strand). Cytogenetic location: 7q32.1.
Variant type: single nucleotide variant.
Coding change: c.6204T>C on transcript NM_001458.5 (MANE Select); coding-DNA position 6204, T replaced by C.
Protein change: p.Asn2068=; no amino-acid change (asparagine 2068 retained).
Molecular consequence: synonymous variant.
Genome position (GRCh38, 1-based): chr7:128,853,027, T>C. VCF-style: chr7-128853027-T-C. GRCh37 (hg19) VCF-style: chr7-128493081-T-C.
Other names: c.6105T>C, p.Asn2035= (NM_001127487.2).
Identifiers: ClinVar variation 706305 (VCV000706305.38), dbSNP rs756870900, ClinGen allele CA4475907.